The following is an entry in ClinVar:

ClinVar aggregate classification (germline): Benign. Review status: criteria provided, multiple submitters, no conflicts (2 of 4 stars). 5 submissions from 5 submitters: Benign (4). 1 of the submissions does not count toward it. Last evaluated 2026-08-01.

Conditions:
LAMA5-related disorder. Also called: LAMA5-Related Disorders; LAMA5-related condition.

Allele frequency attached by ClinVar (database versions not stated): 1000 Genomes Project 0.00359; 1000 Genomes Project 30x 0.00390; ESP Exome Variant Server 0.00743.

Submissions (5):

CeGaT Center for Human Genetics Tuebingen
Classification: Benign. Last evaluated: 2026-08-01. Review status: criteria provided, single submitter. Criteria: CeGaT Center For Human Genetics Tuebingen Variant Classification Criteria Version 2. Collection method: clinical testing. Allele origin: germline. Affected: yes. Observed: 12 variant alleles.
Comment: LAMA5: BP4, BP7, BS1, BS2

Labcorp Genetics (formerly Invitae), Labcorp
Classification: Benign. Last evaluated: 2026-02-01. Review status: criteria provided, single submitter. Criteria: Invitae Variant Classification Sherloc (09022015). Collection method: clinical testing. Allele origin: germline.

Mayo Clinic Laboratories, Mayo Clinic
Classification: Benign. Last evaluated: 2023-06-02. Review status: criteria provided, single submitter. Criteria: ACMG Guidelines, 2015. Collection method: clinical testing. Allele origin: germline. Observed: 3 variant alleles.
Comment: BS1, BS2, BP4, BP7

Breakthrough Genomics
Classification: Benign. Review status: criteria provided, single submitter. Criteria: ACMG Guidelines, 2015. Collection method: not provided. Allele origin: germline. Inheritance: Autosomal recessive inheritance. Affected: yes.

PreventionGenetics, part of Exact Sciences
Classification: Benign for LAMA5-related condition. Last evaluated: 2019-10-01. Review status: no assertion criteria provided. Collection method: clinical testing. Allele origin: germline. Not counted in ClinVar's aggregate classification.
Comment: This variant is classified as benign based on ACMG/AMP sequence variant interpretation guidelines (Richards et al. 2015 PMID: 25741868, with internal and published modifications).

NM_005560.6(LAMA5):c.7605C>G (p.Ala2535=)

Gene: LAMA5 (laminin subunit alpha 5; minus strand). Cytogenetic location: 20q13.33.
Variant type: single nucleotide variant.
Coding change: c.7605C>G on transcript NM_005560.6 (MANE Select); coding-DNA position 7605, C replaced by G.
Protein change: p.Ala2535=; no amino-acid change (alanine 2535 retained).
Molecular consequence: synonymous variant.
Genome position (GRCh38, 1-based): chr20:62,316,930, G>C on the plus strand (C>G on the coding strand, the complement: LAMA5 is on the minus strand). VCF-style: chr20-62316930-G-C. GRCh37 (hg19) VCF-style: chr20-60891986-G-C.
Other names: p.Ala2535=; c.7605C>G (NM_005560.4).
Identifiers: ClinVar variation 1612521 (VCV001612521.34), dbSNP rs41296211, ClinGen allele CA9941146.